The following is an entry in ClinVar:

ClinVar aggregate classification (germline): Likely benign (1 of 4 stars; one submission).

gnomAD v4.1: 55 of 1,588,054 alleles (0.0035%); highest among the groups gnomAD compares: East Asian, 0.039%; no homozygotes.

Submission:

CeGaT Center for Human Genetics Tuebingen
Classification: Likely benign. Last evaluated: 2026-04-01. Review status: criteria provided, single submitter. Criteria: CeGaT Center For Human Genetics Tuebingen Variant Classification Criteria Version 2. Collection method: clinical testing. Allele origin: germline. Affected: yes. Observed: 1 variant allele.
Comment: HCN2: BP4, BP7

NM_001194.4(HCN2):c.1842C>T (p.Thr614=)

Gene: HCN2 (hyperpolarization activated cyclic nucleotide gated potassium and sodium channel 2; plus strand). Cytogenetic location: 19p13.3.
Variant type: single nucleotide variant.
Coding change: c.1842C>T on transcript NM_001194.4 (MANE Select); coding-DNA position 1842, C replaced by T.
Protein change: p.Thr614=; no amino-acid change (threonine 614 retained).
Molecular consequence: synonymous variant.
Genome position (GRCh38, 1-based): chr19:613,868, C>T. VCF-style: chr19-613868-C-T. GRCh37 (hg19) VCF-style: chr19-613868-C-T.
Identifiers: ClinVar variation 4874417 (VCV004874417.2).